The following is an entry in ClinVar:

NM_003292.3(TPR):c.1453G>C (p.Asp485His)

Gene: TPR (translocated promoter region, nuclear basket protein; minus strand). Cytogenetic location: 1q31.1.
Variant type: single nucleotide variant.
Coding change: c.1453G>C on transcript NM_003292.3 (MANE Select); coding-DNA position 1453, G replaced by C.
Protein change: p.Asp485His; replaces aspartic acid 485 with histidine.
Molecular consequence: missense variant.
Genome position (GRCh38, 1-based): chr1:186,358,587, C>G on the plus strand (G>C on the coding strand, the complement: TPR is on the minus strand). VCF-style: chr1-186358587-C-G. GRCh37 (hg19) VCF-style: chr1-186327719-C-G.
Other names: short protein forms D485H.
Identifiers: ClinVar variation 4881688 (VCV004881688.2).

ClinVar aggregate classification (germline): Uncertain significance (1 of 4 stars; one submission).

Conditions:
Intellectual developmental disorder, autosomal recessive 79 (MRT79). Identifiers: MedGen C5830553, MONDO:0957288, OMIM 620393.

Submission:

Dasa
Classification: Uncertain significance for Intellectual developmental disorder, autosomal recessive 79. Last evaluated: 2025-08-11. Review status: criteria provided, single submitter. Criteria: DASA Assertion Criteria. Collection method: clinical testing. Allele origin: germline.
Comment: NM_003292.3(TPR):c.1453G>C (p.Asp485His) is a missense variant that results in the substitution of aspartic acid with histidine. This variant is rare in population databases. Computational prediction algorithms are consistent with a benign effect. The currently available literature and clinical evidence are not sufficient to establish a definitive association between this variant and the reported condition. Therefore, this variant is classified as a variant of uncertain significance.